The following is an entry in ClinVar:

ClinVar aggregate classification (germline): Uncertain significance (1 of 4 stars; one submission).

Conditions:
Atrioventricular septal defect 5 (AVSD5). Identifiers: MedGen C3280939, MONDO:0013769, OMIM 614474.

gnomAD v4.1: 1 of 1,149,560 alleles (0.000087%); highest among the groups gnomAD compares: Non-Finnish European, 0.00011%; no homozygotes.

Submission:

Labcorp Genetics (formerly Invitae), Labcorp
Classification: Uncertain significance for Atrioventricular septal defect 5. Last evaluated: 2021-03-07. Review status: criteria provided, single submitter. Criteria: Invitae Variant Classification Sherloc (09022015). Collection method: clinical testing. Allele origin: germline.
Comment: In summary, the available evidence is currently insufficient to determine the role of this variant in disease. Therefore, it has been classified as a Variant of Uncertain Significance. Algorithms developed to predict the effect of missense changes on protein structure and function are either unavailable or do not agree on the potential impact of this missense change (SIFT: "Deleterious"; PolyPhen-2: "Benign"; Align-GVGD: "Class C0"). This variant has not been reported in the literature in individuals with GATA6-related conditions. The frequency data for this variant in the population databases is considered unreliable, as metrics indicate insufficient coverage at this position in the ExAC database. This sequence change replaces alanine with glycine at codon 247 of the GATA6 protein (p.Ala247Gly). The alanine residue is weakly conserved and there is a small physicochemical difference between alanine and glycine.

NM_005257.6(GATA6):c.740C>G (p.Ala247Gly)

Gene: GATA6 (GATA binding protein 6; plus strand). Cytogenetic location: 18q11.2.
Variant type: single nucleotide variant.
Coding change: c.740C>G on transcript NM_005257.6 (MANE Select); coding-DNA position 740, C replaced by G.
Protein change: p.Ala247Gly; replaces alanine 247 with glycine.
Molecular consequence: missense variant.
Genome position (GRCh38, 1-based): chr18:22,171,884, C>G. VCF-style: chr18-22171884-C-G. GRCh37 (hg19) VCF-style: chr18-19751845-C-G.
Other names: short protein forms A247G.
Identifiers: ClinVar variation 1441958 (VCV001441958.8), dbSNP rs2033055492, ClinGen allele CA401800609.